The following is an entry in ClinVar:

NM_004958.4(MTOR):c.5993T>C (p.Met1998Thr)

Gene: MTOR (mechanistic target of rapamycin kinase; minus strand). Cytogenetic location: 1p36.22.
Variant type: single nucleotide variant.
Coding change: c.5993T>C on transcript NM_004958.4 (MANE Select); coding-DNA position 5993, T replaced by C.
Protein change: p.Met1998Thr; replaces methionine 1998 with threonine.
Molecular consequence: missense variant.
Genome position (GRCh38, 1-based): chr1:11,128,044, A>G on the plus strand (T>C on the coding strand, the complement: MTOR is on the minus strand). VCF-style: chr1-11128044-A-G. GRCh37 (hg19) VCF-style: chr1-11188101-A-G.
Other names: c.5993T>C, p.Met1998Thr (NM_001386500.1); c.4745T>C, p.Met1582Thr (NM_001386501.1); short protein forms M1582T, M1998T.
Identifiers: ClinVar variation 1303732 (VCV001303732.2), dbSNP rs2100413241, ClinGen allele CA338394461.

ClinVar aggregate classification (germline): Uncertain significance (1 of 4 stars; one submission).

Submission:

GeneDx
Classification: Uncertain significance. Last evaluated: 2019-05-23. Review status: criteria provided, single submitter. Criteria: GeneDx Variant Classification Process June 2021. Collection method: clinical testing. Allele origin: germline. Affected: yes.
Comment: Not observed in large population cohorts (Lek et al., 2016); In silico analysis, which includes protein predictors and evolutionary conservation, supports a deleterious effect; Has not been previously published as pathogenic or benign to our knowledge